The following is an entry in ClinVar:

NM_006158.5(NEFL):c.230C>T (p.Ala77Val)

Gene: NEFL (neurofilament light chain; minus strand). Cytogenetic location: 8p21.2.
Variant type: single nucleotide variant.
Coding change: c.230C>T on transcript NM_006158.5 (MANE Select); coding-DNA position 230, C replaced by T.
Protein change: p.Ala77Val; replaces alanine 77 with valine.
Molecular consequence: missense variant.
Genome position (GRCh38, 1-based): chr8:24,956,286, G>A on the plus strand (C>T on the coding strand, the complement: NEFL is on the minus strand). VCF-style: chr8-24956286-G-A. GRCh37 (hg19) VCF-style: chr8-24813800-G-A.
Other names: short protein forms A77V.
Identifiers: ClinVar variation 4765142 (VCV004765142.1).

ClinVar aggregate classification (germline): Uncertain significance (1 of 4 stars; one submission).

Conditions:
Charcot-Marie-Tooth disease type 2E (CMT2E). Also called: CHARCOT-MARIE-TOOTH DISEASE, AXONAL, TYPE 2E; CHARCOT-MARIE-TOOTH NEUROPATHY, TYPE 2E. Identifiers: Orphanet 99939, MedGen C1843225, MONDO:0011894, OMIM 607684.

Submission:

Labcorp Genetics (formerly Invitae), Labcorp
Classification: Uncertain significance for Charcot-Marie-Tooth disease type 2E. Last evaluated: 2026-01-18. Review status: criteria provided, single submitter. Criteria: Invitae Variant Classification Sherloc (09022015). Collection method: clinical testing. Allele origin: germline.
Comment: This sequence change replaces alanine, which is neutral and non-polar, with valine, which is neutral and non-polar, at codon 77 of the NEFL protein (p.Ala77Val). The frequency data for this variant in the population databases is considered unreliable, as metrics indicate poor data quality at this position in the gnomAD database. This variant has not been reported in the literature in individuals affected with NEFL-related conditions. Invitae Evidence Modeling of protein sequence and biophysical properties (such as structural, functional, and spatial information, amino acid conservation, physicochemical variation, residue mobility, and thermodynamic stability) indicates that this missense variant is not expected to disrupt NEFL protein function with a negative predictive value of 80%. In summary, the available evidence is currently insufficient to determine the role of this variant in disease. Therefore, it has been classified as a Variant of Uncertain Significance.